The following is an entry in ClinVar:

ClinVar aggregate classification (germline): Uncertain significance (1 of 4 stars; one submission).

Submission:

GeneDx
Classification: Uncertain significance. Last evaluated: 2026-08-06. Review status: criteria provided, single submitter. Criteria: GeneDx Variant Classification Process June 2021. Collection method: clinical testing. Allele origin: germline.
Comment: Not observed at significant frequency in large population cohorts (gnomAD); In silico analysis supports that this missense variant has a deleterious effect on protein structure/function; Has not been previously published as pathogenic or benign to our knowledge

NM_001282531.3(ADNP):c.152C>T (p.Thr51Ile)

Gene: ADNP (activity dependent neuroprotector homeobox; minus strand). Cytogenetic location: 20q13.13.
Variant type: single nucleotide variant.
Coding change: c.152C>T on transcript NM_001282531.3 (MANE Select); coding-DNA position 152, C replaced by T.
Protein change: p.Thr51Ile; replaces threonine 51 with isoleucine.
Molecular consequence: missense variant.
Genome position (GRCh38, 1-based): chr20:50,902,066, G>A on the plus strand (C>T on the coding strand, the complement: ADNP is on the minus strand). VCF-style: chr20-50902066-G-A. GRCh37 (hg19) VCF-style: chr20-49518603-G-A.
Other names: c.152C>T, p.Thr51Ile (NM_001282532.2, NM_001347511.2, NM_015339.5 and 1 more transcripts); short protein forms T51I.
Identifiers: ClinVar variation 3776488 (VCV003776488.2).